The following is an entry in ClinVar:

NM_004104.5(FASN):c.3142C>G (p.Leu1048Val)

Gene: FASN (fatty acid synthase; minus strand). Cytogenetic location: 17q25.3.
Variant type: single nucleotide variant.
Coding change: c.3142C>G on transcript NM_004104.5 (MANE Select); coding-DNA position 3142, C replaced by G.
Protein change: p.Leu1048Val; replaces leucine 1048 with valine.
Molecular consequence: missense variant.
Genome position (GRCh38, 1-based): chr17:82,087,406, G>C on the plus strand (C>G on the coding strand, the complement: FASN is on the minus strand). VCF-style: chr17-82087406-G-C. GRCh37 (hg19) VCF-style: chr17-80045282-G-C.
Other names: short protein forms L1048V.
Identifiers: ClinVar variation 4254896 (VCV004254896.2).
Genomic context (GRCh38, chr17:82,087,406, plus strand): 5'-TGTACAGCTTCTGCCTGTGGGTGGCAGGGTCGATGTGGATGGCGGTGACACGGGTGGGCA[G>C]GTACAGGCCGTGCTTGGCCGAGCCCAGGATGGACATCTGCAGCATGGTGTCCATGAAGCT-3'
Protein context (NP_004095.4, residues 1038-1058): ILGSAKHGLY[Leu1048Val]PTRVTAIHID

ClinVar aggregate classification (germline): Uncertain significance. Review status: criteria provided, multiple submitters, no conflicts (2 of 4 stars). 2 submissions from 2 submitters: Uncertain significance (2). Last evaluated 2025-06-18.

Conditions:
Epileptic encephalopathy. Identifiers: MedGen C0543888, HP:0200134.

gnomAD v4.1: 3 of 1,612,552 alleles (0.00019%); highest among the groups gnomAD compares: Non-Finnish European, 0.00025%; no homozygotes.

Submissions (2):

Ambry Genetics
Classification: Uncertain significance. Last evaluated: 2025-06-18. Review status: criteria provided, single submitter. Criteria: Ambry Variant Classification Scheme 2023. Collection method: clinical testing. Allele origin: germline.

Labcorp Genetics (formerly Invitae), Labcorp
Classification: Uncertain significance for Epileptic encephalopathy. Last evaluated: 2025-04-22. Review status: criteria provided, single submitter. Criteria: Invitae Variant Classification Sherloc (09022015). Collection method: clinical testing. Allele origin: germline.
Comment: This sequence change replaces leucine, which is neutral and non-polar, with valine, which is neutral and non-polar, at codon 1048 of the FASN protein (p.Leu1048Val). This variant is not present in population databases (gnomAD no frequency). This variant has not been reported in the literature in individuals affected with FASN-related conditions. An algorithm developed to predict the effect of missense changes on protein structure and function (PolyPhen-2) suggests that this variant is likely to be tolerated. In summary, the available evidence is currently insufficient to determine the role of this variant in disease. Therefore, it has been classified as a Variant of Uncertain Significance.